The following is an entry in ClinVar:

NM_000037.4(ANK1):c.5395-1094C>T

Gene: ANK1 (ankyrin 1; minus strand). Cytogenetic location: 8p11.21.
Variant type: single nucleotide variant.
Coding change: c.5395-1094C>T on transcript NM_000037.4 (MANE Select); 1094 bases into the intron before coding-DNA position 5395, C replaced by T.
Molecular consequence: intron variant. On other transcripts: missense variant (3).
Genome position (GRCh38, 1-based): chr8:41,664,836, G>A on the plus strand (C>T on the coding strand, the complement: ANK1 is on the minus strand). VCF-style: chr8-41664836-G-A. GRCh37 (hg19) VCF-style: chr8-41522354-G-A.
Other names: c.188C>T, p.Thr63Ile (NM_001142445.2, NM_020478.5, NM_020480.5); c.5518-1094C>T (NM_001142446.2); c.4909-1094C>T (NM_020477.3); c.5395-1094C>T (NM_020475.3, NM_020476.3); short protein forms T63I.
Identifiers: ClinVar variation 2628600 (VCV002628600.1), dbSNP rs201816578, ClinGen allele CA4727224.

ClinVar aggregate classification (germline): Uncertain significance (1 of 4 stars; one submission).

Conditions:
ANK1-related disorder. Also called: ANK1-related condition.

Allele frequency attached by ClinVar (database versions not stated): gnomAD 0.00001; ExAC 0.00002; 1000 Genomes Project 30x 0.00016; 1000 Genomes Project 0.00020.
gnomAD v4.1: 10 of 1,611,938 alleles (0.00062%); highest among the groups gnomAD compares: East Asian, 0.0022%; no homozygotes.

Submission:

PreventionGenetics, part of Exact Sciences
Classification: Uncertain significance for ANK1-related condition. Last evaluated: 2023-02-15. Review status: criteria provided, single submitter. Criteria: ACMG Guidelines, 2015. Collection method: clinical testing. Allele origin: germline.
Comment: The ANK1 c.188C>T variant is predicted to result in the amino acid substitution p.Thr63Ile. To our knowledge, this variant has not been reported in the literature. This variant is reported in 0.011% of alleles in individuals of East Asian descent in gnomAD. At this time, the clinical significance of this variant is uncertain due to the absence of conclusive functional and genetic evidence.